The following is an entry in ClinVar:

NM_001267550.2(TTN):c.91760G>A (p.Arg30587Lys)

Genes: TTN (titin; minus strand), TTN-AS1 (TTN antisense RNA 1; plus strand). Cytogenetic location: 2q31.2.
Variant type: single nucleotide variant.
Coding change: c.91760G>A on transcript NM_001267550.2 (MANE Select); coding-DNA position 91760, G replaced by A.
Protein change: p.Arg30587Lys; replaces arginine 30587 with lysine.
Molecular consequence: missense variant.
Genome position (GRCh38, 1-based): chr2:178,550,078, C>T on the plus strand (G>A on the coding strand, the complement: TTN is on the minus strand). VCF-style: chr2-178550078-C-T. GRCh37 (hg19) VCF-style: chr2-179414805-C-T.
Other names: c.86837G>A, p.Arg28946Lys (NM_001256850.1); c.64565G>A, p.Arg21522Lys (NM_003319.4); c.84056G>A, p.Arg28019Lys (NM_133378.4); c.64940G>A, p.Arg21647Lys (NM_133432.3); c.65141G>A, p.Arg21714Lys (NM_133437.4); short protein forms R21647K, R21714K, R28019K, R28946K, R21522K, R30587K.
Identifiers: ClinVar variation 1753622 (VCV001753622.2), dbSNP rs2469188061, ClinGen allele CA349497313.

ClinVar aggregate classification (germline): Uncertain significance (1 of 4 stars; one submission).

Conditions:
Cardiovascular phenotype. Identifiers: MedGen CN230736.

Submission:

Ambry Genetics
Classification: Uncertain significance for Cardiovascular phenotype. Last evaluated: 2020-07-16. Review status: criteria provided, single submitter. Criteria: Ambry Variant Classification Scheme 2023. Collection method: clinical testing. Allele origin: germline.
Comment: The p.R21522K variant (also known as c.64565G>A), located in coding exon 164 of the TTN gene, results from a G to A substitution at nucleotide position 64565. The arginine at codon 21522 is replaced by lysine, an amino acid with highly similar properties. This amino acid position is highly conserved in available vertebrate species. In addition, this alteration is predicted to be tolerated by in silico analysis. Since supporting evidence is limited at this time, the clinical significance of this alteration remains unclear.